The following is an entry in ClinVar:

ClinVar aggregate classification (germline): Uncertain significance (1 of 4 stars; one submission).

Conditions:
Hereditary cancer-predisposing syndrome. Also called: Neoplastic Syndromes, Hereditary; Tumor predisposition; Hereditary Cancer Syndrome; Hereditary neoplastic syndrome. Identifiers: Orphanet 140162, MedGen C0027672, MeSH D009386, MONDO:0015356.

gnomAD v4.1: 1 of 1,614,212 alleles (0.000062%); highest among the groups gnomAD compares: South Asian, 0.0011%; no homozygotes.

Submission:

Ambry Genetics
Classification: Uncertain significance for Hereditary cancer-predisposing syndrome. Last evaluated: 2026-05-24. Review status: criteria provided, single submitter. Criteria: Ambry Variant Classification Scheme 2023. Collection method: clinical testing. Allele origin: germline.
Comment: The p.F1572L variant (also known as c.4714T>C), located in coding exon 29 of the ALK gene, results from a T to C substitution at nucleotide position 4714. The phenylalanine at codon 1572 is replaced by leucine, an amino acid with highly similar properties. This amino acid position is conserved. In addition, this alteration is predicted to be tolerated by in silico analysis. Based on the available evidence, the clinical significance of this variant remains unclear.

NM_004304.5(ALK):c.4714T>C (p.Phe1572Leu)

Gene: ALK (ALK receptor tyrosine kinase; minus strand). Cytogenetic location: 2p23.2.
Variant type: single nucleotide variant.
Coding change: c.4714T>C on transcript NM_004304.5 (MANE Select); coding-DNA position 4714, T replaced by C.
Protein change: p.Phe1572Leu; replaces phenylalanine 1572 with leucine.
Molecular consequence: missense variant.
Genome position (GRCh38, 1-based): chr2:29,193,373, A>G on the plus strand (T>C on the coding strand, the complement: ALK is on the minus strand). VCF-style: chr2-29193373-A-G. GRCh37 (hg19) VCF-style: chr2-29416239-A-G.
Other names: c.1510T>C, p.Phe504Leu (NM_001353765.2); short protein forms F1572L, F504L.
Identifiers: ClinVar variation 4870416 (VCV004870416.1).
Genomic context (GRCh38, chr2:29,193,373, plus strand): 5'-GCAAGCCCTGTTGCTGGTAGCCGTAATTGACATTCCCACAAGGGAAGTGACGTAGCCTGA[A>G]CAGAGGTACCTCCTTCATATTGGCAGTCAGCGAAGAGGGCTCTAGGAGCAGTGAGGCCCC-3'
Protein context (NP_004295.2, residues 1562-1582): LTANMKEVPL[Phe1572Leu]RLRHFPCGNV